The following is an entry in ClinVar:

ClinVar aggregate classification (germline): Pathogenic/Likely pathogenic. Review status: criteria provided, multiple submitters, no conflicts (2 of 4 stars). 2 submissions from 2 submitters: Pathogenic (1); Likely pathogenic (1). Last evaluated 2021-05-30.

Conditions:
Autosomal recessive ataxia, Beauce type. Also called: Spinocerebellar ataxia, autosomal recessive 8; ATAXIA, RECESSIVE, OF BEAUCE; SYNE1 Deficiency; SYNE1-Related Autosomal Recessive Cerebellar Ataxia. Identifiers: Orphanet 88644, MedGen C1853116, MONDO:0012549, OMIM 610743.
Emery-Dreifuss muscular dystrophy 4, autosomal dominant (EDMD4). Also called: EMERY-DREIFUSS MUSCULAR DYSTROPHY 4 WITH VARIABLE FEATURES. Identifiers: Orphanet 261, MedGen C2751807, MONDO:0013071, OMIM 612998.

Allele frequency attached by ClinVar (database versions not stated): gnomAD exomes below 0.00001.
gnomAD v4.1: 4 of 1,614,154 alleles (0.00025%); highest among the groups gnomAD compares: Non-Finnish European, 0.00034%; no homozygotes.

Submissions (2):

Labcorp Genetics (formerly Invitae), Labcorp
Classification: Likely pathogenic for Emery-Dreifuss muscular dystrophy 4, autosomal dominant; Autosomal recessive ataxia, Beauce type. Last evaluated: 2021-05-30. Review status: criteria provided, single submitter. Criteria: Invitae Variant Classification Sherloc (09022015). Collection method: clinical testing. Allele origin: germline.
Comment: This sequence change affects a donor splice site in intron 63 of the SYNE1 gene. It is expected to disrupt RNA splicing. Variants that disrupt the donor or acceptor splice site typically lead to a loss of protein function (PMID: 16199547), and loss-of-function variants in SYNE1 are known to be pathogenic (PMID: 19542096, 24319099, 27086870). This variant is not present in population databases (ExAC no frequency). This variant has not been reported in the literature in individuals with SYNE1-related conditions. ClinVar contains an entry for this variant (Variation ID: 597825). Algorithms developed to predict the effect of sequence changes on RNA splicing suggest that this variant may disrupt the consensus splice site, but this prediction has not been confirmed by published transcriptional studies. In summary, the currently available evidence indicates that the variant is pathogenic, but additional data are needed to prove that conclusively. Therefore, this variant has been classified as Likely Pathogenic.

Eurofins Ntd Llc (ga)
Classification: Pathogenic. Last evaluated: 2018-06-29. Review status: criteria provided, single submitter. Criteria: EGL ClinVar v180209 classification definitions. Collection method: clinical testing. Allele origin: germline. Observed: 1 variant allele, 1 heterozygote.

Literature cited by the submitters: PubMed 16199547 (cited by Labcorp Genetics (formerly Invitae), Labcorp); PubMed 19542096 (cited by Labcorp Genetics (formerly Invitae), Labcorp); PubMed 24319099 (cited by Labcorp Genetics (formerly Invitae), Labcorp); PubMed 27086870 (cited by Labcorp Genetics (formerly Invitae), Labcorp).

NM_182961.4(SYNE1):c.10145+1G>A

Gene: SYNE1 (spectrin repeat containing nuclear envelope protein 1; minus strand). Cytogenetic location: 6q25.2.
Variant type: single nucleotide variant.
Coding change: c.10145+1G>A on transcript NM_182961.4 (MANE Select); the canonical splice donor site of the intron after coding-DNA position 10145, G replaced by A.
Molecular consequence: splice donor variant.
Genome position (GRCh38, 1-based): chr6:152,364,846, C>T on the plus strand (G>A on the coding strand, the complement: SYNE1 is on the minus strand). VCF-style: chr6-152364846-C-T. GRCh37 (hg19) VCF-style: chr6-152685981-C-T.
Other names: c.10166+1G>A (NM_033071.5).
Identifiers: ClinVar variation 597825 (VCV000597825.12), dbSNP rs1563391747, ClinGen allele CA366132057.
Genomic context (GRCh38, chr6:152,364,846, plus strand): 5'-GTAGTATTATATTGATCTTTTAGTAATAGCTTCCCCAGTGCTTGGCTGTAGTTTCCCTCA[C>T]CTTTTACAACGAATCCCTGCAGACAAAAGGGATGCCCACATATCCTTCACACTCTGCAGC-3'